The following is an entry in ClinVar:

ClinVar aggregate classification (germline): Uncertain significance (1 of 4 stars; one submission).

Allele frequency attached by ClinVar (database versions not stated): gnomAD exomes 0.00001; TOPMed 0.00001.
gnomAD v4.1: 15 of 1,613,692 alleles (0.00093%); highest among the groups gnomAD compares: Admixed American, 0.0017%; no homozygotes.

Submission:

Labcorp Genetics (formerly Invitae), Labcorp
Classification: Uncertain significance. Last evaluated: 2022-07-01. Review status: criteria provided, single submitter. Criteria: Invitae Variant Classification Sherloc (09022015). Collection method: clinical testing. Allele origin: germline.
Comment: This sequence change replaces arginine, which is basic and polar, with glutamine, which is neutral and polar, at codon 1528 of the CAD protein (p.Arg1528Gln). This variant is present in population databases (no rsID available, gnomAD 0.003%). This variant has not been reported in the literature in individuals affected with CAD-related conditions. Algorithms developed to predict the effect of missense changes on protein structure and function are either unavailable or do not agree on the potential impact of this missense change (SIFT: "Tolerated"; PolyPhen-2: "Possibly Damaging"; Align-GVGD: "Class C0"). In summary, the available evidence is currently insufficient to determine the role of this variant in disease. Therefore, it has been classified as a Variant of Uncertain Significance.

NM_004341.5(CAD):c.4583G>A (p.Arg1528Gln)

Gene: CAD (carbamoyl-phosphate synthetase 2, aspartate transcarbamylase, and dihydroorotase; plus strand). Cytogenetic location: 2p23.3.
Variant type: single nucleotide variant.
Coding change: c.4583G>A on transcript NM_004341.5 (MANE Select); coding-DNA position 4583, G replaced by A.
Protein change: p.Arg1528Gln; replaces arginine 1528 with glutamine.
Molecular consequence: missense variant.
Genome position (GRCh38, 1-based): chr2:27,237,737, G>A. VCF-style: chr2-27237737-G-A. GRCh37 (hg19) VCF-style: chr2-27460605-G-A.
Other names: c.4394G>A, p.Arg1465Gln (NM_001306079.2); short protein forms R1465Q, R1528Q.
Identifiers: ClinVar variation 1968131 (VCV001968131.2), dbSNP rs925539009, ClinGen allele CA44513979.